The following is an entry in ClinVar:

ClinVar aggregate classification (germline): Benign/Likely benign. Review status: criteria provided, multiple submitters, no conflicts (2 of 4 stars). 5 submissions from 5 submitters: Benign (3); Likely benign (1). 1 of the submissions does not count toward it. Last evaluated 2026-10-01.

Conditions:
FCSK-related disorder. Also called: FCSK-related condition.

Allele frequency attached by ClinVar (database versions not stated): gnomAD exomes 0.01190 and 0.00792; ESP Exome Variant Server 0.01258; 1000 Genomes Project 0.00459; 1000 Genomes Project 30x 0.00468; ExAC 0.00751; gnomAD 0.00856 and 0.00871; TOPMed 0.00874.
gnomAD v4.1: 18,591 of 1,614,102 alleles (1.2%); highest among the groups gnomAD compares: Non-Finnish European, 1.4%; 154 homozygotes.

Submissions (5):

CeGaT Center for Human Genetics Tuebingen
Classification: Benign. Last evaluated: 2026-10-01. Review status: criteria provided, single submitter. Criteria: CeGaT Center For Human Genetics Tuebingen Variant Classification Criteria Version 2. Collection method: clinical testing. Allele origin: germline. Affected: yes. Observed: 5 variant alleles.
Comment: FCSK: BP4, BS1, BS2

Labcorp Genetics (formerly Invitae), Labcorp
Classification: Benign. Last evaluated: 2026-01-26. Review status: criteria provided, single submitter. Criteria: Invitae Variant Classification Sherloc (09022015). Collection method: clinical testing. Allele origin: germline.

Mayo Clinic Laboratories, Mayo Clinic
Classification: Likely benign. Last evaluated: 2025-08-27. Review status: criteria provided, single submitter. Criteria: ACMG Guidelines, 2015. Collection method: clinical testing. Allele origin: germline. Observed: 1 variant allele.
Comment: BS2, BP4_moderate

Breakthrough Genomics
Classification: Benign. Review status: criteria provided, single submitter. Criteria: ACMG Guidelines, 2015. Collection method: not provided. Allele origin: germline. Inheritance: Autosomal recessive inheritance. Affected: yes.

PreventionGenetics, part of Exact Sciences
Classification: Benign for FCSK-related condition. Last evaluated: 2019-07-18. Review status: no assertion criteria provided. Collection method: clinical testing. Allele origin: germline. Not counted in ClinVar's aggregate classification.
Comment: This variant is classified as benign based on ACMG/AMP sequence variant interpretation guidelines (Richards et al. 2015 PMID: 25741868, with internal and published modifications).

NM_145059.3(FCSK):c.824A>G (p.Asn275Ser)

Gene: FCSK (fucose kinase; plus strand). Cytogenetic location: 16q22.1.
Variant type: single nucleotide variant.
Coding change: c.824A>G on transcript NM_145059.3 (MANE Select); coding-DNA position 824, A replaced by G.
Protein change: p.Asn275Ser; replaces asparagine 275 with serine.
Molecular consequence: missense variant.
Genome position (GRCh38, 1-based): chr16:70,469,192, A>G. VCF-style: chr16-70469192-A-G. GRCh37 (hg19) VCF-style: chr16-70503095-A-G.
Other names: p.Asn275Ser; c.824A>G (NM_145059.2); short protein forms N275S.
Identifiers: ClinVar variation 1682358 (VCV001682358.19), dbSNP rs113497209, ClinGen allele CA8143098.
Genomic context (GRCh38, chr16:70,469,192, plus strand): 5'-GCTTCTTCCCCTTCCCCTAGCTGTCTCTGTTTTTTGACATTCTCCACTGCATGGCTGAGA[A>G]CGTGACCAGGGAGGACTTCCTGGTGGGGAGGCCCCCAGAGTTGGGGCAAGGCGATGCAGA-3'
Protein context (NP_659496.2, residues 265-285): FFDILHCMAE[Asn275Ser]VTREDFLVGR